The following is an entry in ClinVar:

NM_000121.4(EPOR):c.244C>T (p.Gln82Ter)

Gene: EPOR (erythropoietin receptor; minus strand). Cytogenetic location: 19p13.2.
Variant type: single nucleotide variant.
Coding change: c.244C>T on transcript NM_000121.4 (MANE Select); coding-DNA position 244, C replaced by T.
Protein change: p.Gln82Ter; replaces glutamine 82 with a stop codon.
Molecular consequence: nonsense. On other transcripts: non-coding transcript variant (1).
Genome position (GRCh38, 1-based): chr19:11,383,104, G>A on the plus strand (C>T on the coding strand, the complement: EPOR is on the minus strand). VCF-style: chr19-11383104-G-A. GRCh37 (hg19) VCF-style: chr19-11493780-G-A.
Other names: p.Gln82*; short protein forms Q82*.
Identifiers: ClinVar variation 432048 (VCV000432048.4), dbSNP rs370865377, ClinGen allele CA9210876.
Genomic context (GRCh38, chr19:11,383,104, plus strand): 5'-TCTGCCCCACCCCCTCCCTCCGCCCTTGGAGGCACCCGCCGGATCGGACTCACTCGAGCT[G>A]GTAGGAGAAGCTGTAGTTGCCCGGGCCCACCCCAGCGCTCGCCGCTTCCTCCCAGAAACA-3'

ClinVar aggregate classification (germline): Conflicting classifications of pathogenicity. Review status: criteria provided, conflicting classifications (1 of 4 stars). 2 submissions from 2 submitters: Likely pathogenic (1); Uncertain significance (1). Last evaluated 2025-07-29.

Allele frequency attached by ClinVar (database versions not stated): gnomAD exomes 0.00002 and 0.00008; TOPMed 0.00003; ExAC 0.00003; gnomAD 0.00004; ESP Exome Variant Server 0.00008.
gnomAD v4.1: 126 of 1,613,558 alleles (0.0078%); highest among the groups gnomAD compares: Non-Finnish European, 0.01%; no homozygotes.

Submissions (2):

Mayo Clinic Laboratories, Mayo Clinic
Classification: Uncertain significance. Last evaluated: 2025-07-29. Review status: criteria provided, single submitter. Criteria: ACMG Guidelines, 2015. Collection method: clinical testing. Allele origin: germline. Observed: 1 variant allele.
Comment: PM2_supporting

GeneDx
Classification: Likely pathogenic. Last evaluated: 2020-03-06. Review status: criteria provided, single submitter. Criteria: GeneDx Variant Classification Process June 2021. Collection method: clinical testing. Allele origin: germline. Affected: yes.
Comment: Nonsense variant predicted to result in protein truncation or nonsense mediated decay in a gene for which loss-of-function is a known mechanism of disease; Not observed at a significant frequency in large population cohorts (Lek et al., 2016); Reported in association with increased serum EPO levels (Oskarsson et al., 2018); This variant is associated with the following publications: (PMID: 30271932)

Literature cited by the submitters: PubMed 30271932 (cited by Mayo Clinic Laboratories, Mayo Clinic).